The following is an entry in ClinVar:

NM_000540.3(RYR1):c.7874G>T (p.Arg2625Leu)

Gene: RYR1 (ryanodine receptor 1; plus strand). Cytogenetic location: 19q13.2.
Variant type: single nucleotide variant.
Coding change: c.7874G>T on transcript NM_000540.3 (MANE Select); coding-DNA position 7874, G replaced by T.
Protein change: p.Arg2625Leu; replaces arginine 2625 with leucine.
Molecular consequence: missense variant.
Genome position (GRCh38, 1-based): chr19:38,502,918, G>T. VCF-style: chr19-38502918-G-T. GRCh37 (hg19) VCF-style: chr19-38993558-G-T.
Other names: c.7874G>T, p.Arg2625Leu (NM_001042723.2); short protein forms R2625L.
Identifiers: ClinVar variation 329071 (VCV000329071.7), dbSNP rs751301767, ClinGen allele CA070934.

ClinVar aggregate classification (germline): Uncertain significance. Review status: criteria provided, multiple submitters, no conflicts (2 of 4 stars). 4 submissions from 2 submitters: Uncertain significance (4). Last evaluated 2022-03-26.

Conditions:
RYR1-related disorder. Also called: RYR1-related condition; RYR1-related disorders. Identifiers: MedGen CN239331.
Central core myopathy (CMYO1A). Also called: Central core disease; Myopathy, central fibrillar; CONGENITAL MYOPATHY 1A, AUTOSOMAL DOMINANT, WITH SUSCEPTIBILITY TO MALIGNANT HYPERTHERMIA. Identifiers: Orphanet 597, MedGen C5830701, MONDO:0007294, OMIM 117000.
Malignant hyperthermia, susceptibility to, 1 (MHS1). Also called: Anesthesia related hyperthermia; Malignant hyperpyrexia; Fulminating hyperpyrexia; Pharmacogenic myopathy; RYR1-Related Malignant Hyperthermia Susceptibility; Malignant hyperthermia suceptibility 1. Identifiers: Orphanet 423, MedGen C2930980, MONDO:0007783, OMIM 145600.
Congenital multicore myopathy with external ophthalmoplegia (CMYO1B). Also called: MULTICORE MYOPATHY; Minicore myopathy with external ophthalmoplegia; Congenital myopathy 1B, autosomal recessive; Minicore myopathy; MULTIMINICORE DISEASE WITH EXTERNAL OPHTHALMOPLEGIA. Identifiers: Orphanet 598, Orphanet 98905, MedGen C1850674, MONDO:0009712, OMIM 255320, HP:0003789.

Allele frequency attached by ClinVar (database versions not stated): TOPMed below 0.00001.
gnomAD v4.1: 12 of 1,611,692 alleles (0.00074%); highest among the groups gnomAD compares: Admixed American, 0.0017%; no homozygotes.

Submissions (4):

Labcorp Genetics (formerly Invitae), Labcorp
Classification: Uncertain significance for RYR1-related disorder. Last evaluated: 2022-03-26. Review status: criteria provided, single submitter. Criteria: Invitae Variant Classification Sherloc (09022015). Collection method: clinical testing. Allele origin: germline.
Comment: This sequence change replaces arginine, which is basic and polar, with leucine, which is neutral and non-polar, at codon 2625 of the RYR1 protein (p.Arg2625Leu). The frequency data for this variant in the population databases is considered unreliable, as metrics indicate poor data quality at this position in the gnomAD database. This variant has not been reported in the literature in individuals affected with RYR1-related conditions. ClinVar contains an entry for this variant (Variation ID: 329071). Advanced modeling of protein sequence and biophysical properties (such as structural, functional, and spatial information, amino acid conservation, physicochemical variation, residue mobility, and thermodynamic stability) performed at Invitae indicates that this missense variant is expected to disrupt RYR1 protein function. In summary, the available evidence is currently insufficient to determine the role of this variant in disease. Therefore, it has been classified as a Variant of Uncertain Significance.

Illumina Laboratory Services, Illumina
Classification: Uncertain significance for Central core myopathy. Last evaluated: 2018-01-13. Review status: criteria provided, single submitter. Criteria: ICSL Variant Classification Criteria 13 December 2019. Collection method: clinical testing. Allele origin: germline.

Illumina Laboratory Services, Illumina
Classification: Uncertain significance for Congenital multicore myopathy with external ophthalmoplegia. Last evaluated: 2018-01-13. Review status: criteria provided, single submitter. Criteria: ICSL Variant Classification Criteria 13 December 2019. Collection method: clinical testing. Allele origin: germline.

Illumina Laboratory Services, Illumina
Classification: Uncertain significance for Malignant hyperthermia, susceptibility to, 1. Last evaluated: 2018-01-13. Review status: criteria provided, single submitter. Criteria: ICSL Variant Classification Criteria 13 December 2019. Collection method: clinical testing. Allele origin: germline.